The following is an entry in ClinVar:

NM_003801.4(GPAA1):c.74+4A>G

Genes: GPAA1 (glycosylphosphatidylinositol anchor attachment 1; plus strand), LOC130001364 (ATAC-STARR-seq lymphoblastoid silent region 19654; plus strand). Cytogenetic location: 8q24.3.
Variant type: single nucleotide variant.
Coding change: c.74+4A>G on transcript NM_003801.4 (MANE Select); 4 bases into the intron after coding-DNA position 74, A replaced by G.
Molecular consequence: intron variant.
Genome position (GRCh38, 1-based): chr8:144,082,808, A>G. VCF-style: chr8-144082808-A-G. GRCh37 (hg19) VCF-style: chr8-145137711-A-G.
Identifiers: ClinVar variation 1427045 (VCV001427045.5), dbSNP rs1205598581, ClinGen allele CA585809529.

ClinVar aggregate classification (germline): Uncertain significance (1 of 4 stars; one submission).

Allele frequency attached by ClinVar (database versions not stated): gnomAD exomes below 0.00001; gnomAD 0.00003; TOPMed 0.00003.
gnomAD v4.1: 10 of 1,448,892 alleles (0.00069%); highest among the groups gnomAD compares: Non-Finnish European, 0.0009%; no homozygotes.

Submission:

Labcorp Genetics (formerly Invitae), Labcorp
Classification: Uncertain significance. Last evaluated: 2024-06-17. Review status: criteria provided, single submitter. Criteria: Invitae Variant Classification Sherloc (09022015). Collection method: clinical testing. Allele origin: germline.
Comment: This sequence change falls in intron 1 of the GPAA1 gene. It does not directly change the encoded amino acid sequence of the GPAA1 protein. It affects a nucleotide within the consensus splice site. This variant is not present in population databases (gnomAD no frequency). This variant has not been reported in the literature in individuals affected with GPAA1-related conditions. ClinVar contains an entry for this variant (Variation ID: 1427045). Variants that disrupt the consensus splice site are a relatively common cause of aberrant splicing (PMID: 17576681, 9536098). Algorithms developed to predict the effect of sequence changes on RNA splicing suggest that this variant may disrupt the consensus splice site. In summary, the available evidence is currently insufficient to determine the role of this variant in disease. Therefore, it has been classified as a Variant of Uncertain Significance.

Literature cited by the submitters: PubMed 17576681; PubMed 9536098.